The following is an entry in ClinVar:

NM_001042492.3(NF1):c.7336T>G (p.Ser2446Ala)

Gene: NF1 (neurofibromin 1; plus strand). Cytogenetic location: 17q11.2.
Variant type: single nucleotide variant.
Coding change: c.7336T>G on transcript NM_001042492.3 (MANE Select); coding-DNA position 7336, T replaced by G.
Protein change: p.Ser2446Ala; replaces serine 2446 with alanine.
Molecular consequence: missense variant.
Genome position (GRCh38, 1-based): chr17:31,350,197, T>G. VCF-style: chr17-31350197-T-G. GRCh37 (hg19) VCF-style: chr17-29677215-T-G.
Other names: c.7273T>G, p.Ser2425Ala (NM_000267.4); short protein forms S2425A, S2446A.
Identifiers: ClinVar variation 1315585 (VCV001315585.5), dbSNP rs2151574285, ClinGen allele CA399016974.

ClinVar aggregate classification (germline): Uncertain significance. Review status: criteria provided, multiple submitters, no conflicts (2 of 4 stars). 2 submissions from 2 submitters: Uncertain significance (2). Last evaluated 2023-12-28.

Conditions:
Neurofibromatosis, type 1 (NF1). Also called: NEUROFIBROMATOSIS, TYPE I, SOMATIC; Peripheral type neurofibromatosis; Neurofibromatosis, type I; VON RECKLINGHAUSEN DISEASE. Identifiers: Orphanet 636, MedGen C0027831, MONDO:0018975, OMIM 162200. Disease mechanism: loss of function.

Submissions (2):

Labcorp Genetics (formerly Invitae), Labcorp
Classification: Uncertain significance for Neurofibromatosis, type 1. Last evaluated: 2023-12-28. Review status: criteria provided, single submitter. Criteria: Invitae Variant Classification Sherloc (09022015). Collection method: clinical testing. Allele origin: germline.
Comment: This sequence change replaces serine, which is neutral and polar, with alanine, which is neutral and non-polar, at codon 2425 of the NF1 protein (p.Ser2425Ala). This variant is not present in population databases (gnomAD no frequency). This variant has not been reported in the literature in individuals affected with NF1-related conditions. ClinVar contains an entry for this variant (Variation ID: 1315585). Advanced modeling of protein sequence and biophysical properties (such as structural, functional, and spatial information, amino acid conservation, physicochemical variation, residue mobility, and thermodynamic stability) has been performed at Invitae for this missense variant, however the output from this modeling did not meet the statistical confidence thresholds required to predict the impact of this variant on NF1 protein function. In summary, the available evidence is currently insufficient to determine the role of this variant in disease. Therefore, it has been classified as a Variant of Uncertain Significance.

GeneDx
Classification: Uncertain significance. Last evaluated: 2019-08-22. Review status: criteria provided, single submitter. Criteria: GeneDx Variant Classification Process June 2021. Collection method: clinical testing. Allele origin: germline. Affected: yes.
Comment: Not observed in large population cohorts (Lek 2016); In silico analysis, which includes protein predictors and evolutionary conservation, supports that this variant does not alter protein structure/function; Has not been previously published as pathogenic or benign to our knowledge